The following is an entry in ClinVar:

ClinVar aggregate classification (germline): Uncertain significance (1 of 4 stars; one submission).

Conditions:
Methylcobalamin deficiency type cblE (HMAE). Also called: HOMOCYSTINURIA-MEGALOBLASTIC ANEMIA, cblE COMPLEMENTATION TYPE; VITAMIN B12-RESPONSIVE HOMOCYSTINURIA, cblE TYPE; HOMOCYSTINURIA-MEGALOBLASTIC ANEMIA, cblE TYPE. Identifiers: Orphanet 2169, Orphanet 622, MedGen C1856057, MONDO:0009354, OMIM 236270.

Allele frequency attached by ClinVar (database versions not stated): gnomAD 0.00001; TOPMed 0.00003.
gnomAD v4.1: 8 of 1,614,128 alleles (0.0005%); highest among the groups gnomAD compares: Admixed American, 0.0017%; no homozygotes.

Submission:

Labcorp Genetics (formerly Invitae), Labcorp
Classification: Uncertain significance for Methylcobalamin deficiency type cblE. Last evaluated: 2022-08-23. Review status: criteria provided, single submitter. Criteria: Invitae Variant Classification Sherloc (09022015). Collection method: clinical testing. Allele origin: germline.
Comment: This sequence change replaces valine, which is neutral and non-polar, with glycine, which is neutral and non-polar, at codon 265 of the MTRR protein (p.Val265Gly). This variant is present in population databases (no rsID available, gnomAD 0.0009%). This variant has not been reported in the literature in individuals affected with MTRR-related conditions. Algorithms developed to predict the effect of missense changes on protein structure and function (SIFT, PolyPhen-2, Align-GVGD) all suggest that this variant is likely to be tolerated. In summary, the available evidence is currently insufficient to determine the role of this variant in disease. Therefore, it has been classified as a Variant of Uncertain Significance.

NM_002454.3(MTRR):c.794T>G (p.Val265Gly)

Gene: MTRR (5-methyltetrahydrofolate-homocysteine methyltransferase reductase; plus strand). Cytogenetic location: 5p15.31.
Variant type: single nucleotide variant.
Coding change: c.794T>G on transcript NM_002454.3 (MANE Select); coding-DNA position 794, T replaced by G.
Protein change: p.Val265Gly; replaces valine 265 with glycine.
Molecular consequence: missense variant. On other transcripts: non-coding transcript variant (14).
Genome position (GRCh38, 1-based): chr5:7,883,168, T>G. VCF-style: chr5-7883168-T-G. GRCh37 (hg19) VCF-style: chr5-7883281-T-G.
Other names: c.794T>G, p.Val265Gly (NM_001364440.2, NM_001364441.2, NM_001364442.2 and 1 more transcripts); short protein forms V265G.
Identifiers: ClinVar variation 2056197 (VCV002056197.1), dbSNP rs768609406, ClinGen allele CA359157496.